The following is an entry in ClinVar:

ClinVar aggregate classification (germline): Uncertain significance (1 of 4 stars; one submission).

Conditions:
Phenylketonuria (PKU). Also called: FOLLING DISEASE; OLIGOPHRENIA PHENYLPYRUVICA; Phenylketonurias; Phenylketonuria (PKU). Identifiers: Orphanet 716, MedGen C0031485, MONDO:0009861, OMIM 261600. Disease mechanism: loss of function.

Submission:

Labcorp Genetics (formerly Invitae), Labcorp
Classification: Uncertain significance for Phenylketonuria. Last evaluated: 2024-03-24. Review status: criteria provided, single submitter. Criteria: Invitae Variant Classification Sherloc (09022015). Collection method: clinical testing. Allele origin: germline.
Comment: This sequence change replaces aspartic acid, which is acidic and polar, with alanine, which is neutral and non-polar, at codon 129 of the PAH protein (p.Asp129Ala). This variant is not present in population databases (gnomAD no frequency). This missense change has been observed in individual(s) with a positive newborn screening result for PAH-related disease (Invitae). Advanced modeling of protein sequence and biophysical properties (such as structural, functional, and spatial information, amino acid conservation, physicochemical variation, residue mobility, and thermodynamic stability) has been performed at Invitae for this missense variant, however the output from this modeling did not meet the statistical confidence thresholds required to predict the impact of this variant on PAH protein function. This variant disrupts the p.Asp129 amino acid residue in PAH. Other variant(s) that disrupt this residue have been determined to be pathogenic (PMID: 9359039, 26542770). This suggests that this residue is clinically significant, and that variants that disrupt this residue are likely to be disease-causing. In summary, the available evidence is currently insufficient to determine the role of this variant in disease. Therefore, it has been classified as a Variant of Uncertain Significance.

Literature cited by the submitters: PubMed 9359039; PubMed 26542770.

NM_000277.3(PAH):c.386A>C (p.Asp129Ala)

Gene: PAH (phenylalanine hydroxylase; minus strand). Cytogenetic location: 12q23.2.
Variant type: single nucleotide variant.
Coding change: c.386A>C on transcript NM_000277.3 (MANE Select); coding-DNA position 386, A replaced by C.
Protein change: p.Asp129Ala; replaces aspartic acid 129 with alanine.
Molecular consequence: missense variant.
Genome position (GRCh38, 1-based): chr12:102,877,517, T>G on the plus strand (A>C on the coding strand, the complement: PAH is on the minus strand). VCF-style: chr12-102877517-T-G. GRCh37 (hg19) VCF-style: chr12-103271295-T-G.
Other names: c.386A>C, p.Asp129Ala (NM_001354304.2); short protein forms D129A.
Identifiers: ClinVar variation 3647449 (VCV003647449.2).